The following is an entry in ClinVar:

ClinVar aggregate classification (germline): Uncertain significance. Review status: criteria provided, single submitter (1 of 4 stars). 2 submissions from 2 submitters: Uncertain significance (1). 1 of the submissions does not count toward it. Last evaluated 2025-03-18.

Conditions:
3-Methylglutaconic aciduria type 3 (MGCA3). Also called: OPA3, AUTOSOMAL RECESSIVE; OPTIC ATROPHY 3, AUTOSOMAL RECESSIVE; OPA3-Related 3-Methylglutaconic Aciduria; Costeff Syndrome. Identifiers: Orphanet 67047, MedGen C0574084, MONDO:0009787, OMIM 258501.
Optic atrophy 3 (OPA3). Also called: OPTIC ATROPHY 3, AUTOSOMAL DOMINANT; Optic atrophy, cataract, and neurologic disorder; Optic atrophy 3 with cataract. Identifiers: Orphanet 67036, MedGen C1833809, MONDO:0008133, OMIM 165300.

gnomAD v4.1: 9 of 1,609,136 alleles (0.00056%); highest among the groups gnomAD compares: Non-Finnish European, 0.00076%; no homozygotes.

Submissions (2):

Labcorp Genetics (formerly Invitae), Labcorp
Classification: Uncertain significance for 3-Methylglutaconic aciduria type 3; Optic atrophy 3. Last evaluated: 2025-03-18. Review status: criteria provided, single submitter. Criteria: Invitae Variant Classification Sherloc (09022015). Collection method: clinical testing. Allele origin: germline.
Comment: This sequence change replaces alanine, which is neutral and non-polar, with valine, which is neutral and non-polar, at codon 148 of the OPA3 protein (p.Ala148Val). This variant is not present in population databases (gnomAD no frequency). This variant has not been reported in the literature in individuals affected with OPA3-related conditions. An algorithm developed to predict the effect of missense changes on protein structure and function (PolyPhen-2) suggests that this variant is likely to be disruptive. In summary, the available evidence is currently insufficient to determine the role of this variant in disease. Therefore, it has been classified as a Variant of Uncertain Significance.

Natera, Inc.
Classification: Uncertain significance for 3-methylglutaconic aciduria type 3. Last evaluated: 2025-04-29. Review status: no assertion criteria provided. Collection method: clinical testing. Allele origin: germline. Not counted in ClinVar's aggregate classification.

NM_025136.4(OPA3):c.443C>T (p.Ala148Val)

Genes: OPA3 (outer mitochondrial membrane lipid metabolism regulator OPA3; minus strand), OPA3-RTN2 (OPA3-RTN2 readthrough; minus strand). Cytogenetic location: 19q13.32.
Variant type: single nucleotide variant.
Coding change: c.443C>T on transcript NM_025136.4 (MANE Select); coding-DNA position 443, C replaced by T.
Protein change: p.Ala148Val; replaces alanine 148 with valine.
Molecular consequence: missense variant. On other transcripts: intron variant (1).
Genome position (GRCh38, 1-based): chr19:45,553,611, G>A on the plus strand (C>T on the coding strand, the complement: OPA3 is on the minus strand). VCF-style: chr19-45553611-G-A. GRCh37 (hg19) VCF-style: chr19-46056869-G-A.
Other names: c.443C>T (NM_025136.3); c.143-24155C>T (NM_001017989.3); short protein forms A148V.
Identifiers: ClinVar variation 3748089 (VCV003748089.3).